The following is an entry in ClinVar:

ClinVar aggregate classification (germline): Conflicting classifications of pathogenicity. Review status: criteria provided, conflicting classifications (1 of 4 stars). 3 submissions from 3 submitters: Uncertain significance (1); Likely benign (2). Last evaluated 2026-01-12.

Conditions:
Muscular dystrophy-dystroglycanopathy (congenital with impaired intellectual development), type B, 2. Also called: Muscular dystrophy-dystroglycanopathy (congenital with intellectual disability), type B2; MUSCULAR DYSTROPHY, CONGENITAL, POMT2-RELATED. Identifiers: MedGen C3150416, MONDO:0013160, OMIM 613156.
Autosomal recessive limb-girdle muscular dystrophy type 2N. Also called: Muscular dystrophy-dystroglycanopathy (limb-girdle), type C, 2; MUSCULAR DYSTROPHY-DYSTROGLYCANOPATHY, LIMB-GIRDLE, POMT2-RELATED. Identifiers: Orphanet 206559, MedGen C3150418, MONDO:0013162, OMIM 613158.
Muscular dystrophy-dystroglycanopathy (congenital with brain and eye anomalies), type A2. Also called: WALKER-WARBURG SYNDROME OR MUSCLE-EYE-BRAIN DISEASE, POMT2-RELATED; MUSCULAR DYSTROPHY-DYSTROGLYCANOPATHY (CONGENITAL WITH BRAIN AND EYE ANOMALIES), TYPE A, 2. Identifiers: Orphanet 588, Orphanet 899, MedGen C3150411, MONDO:0013154, OMIM 613150.

Allele frequency attached by ClinVar (database versions not stated): gnomAD exomes 0.00001; gnomAD 0.00003 and 0.00004; TOPMed 0.00005.
gnomAD v4.1: 26 of 1,600,264 alleles (0.0016%); highest among the groups gnomAD compares: African/African-American, 0.0053%; no homozygotes.

Submissions (3):

Labcorp Genetics (formerly Invitae), Labcorp
Classification: Likely benign for Muscular dystrophy-dystroglycanopathy (congenital with impaired intellectual development), type B, 2; Muscular dystrophy-dystroglycanopathy (congenital with brain and eye anomalies), type A2; Autosomal recessive limb-girdle muscular dystrophy type 2N. Last evaluated: 2026-01-12. Review status: criteria provided, single submitter. Criteria: Invitae Variant Classification Sherloc (09022015). Collection method: clinical testing. Allele origin: germline.

Eurofins Ntd Llc (ga)
Classification: Uncertain significance. Last evaluated: 2017-01-23. Review status: criteria provided, single submitter. Criteria: EGL Classification Definitions 2015. Collection method: clinical testing. Allele origin: germline. Observed: 1 variant allele, 1 heterozygote.

GeneDx
Classification: Likely benign. Last evaluated: 2015-12-23. Review status: criteria provided, single submitter. Criteria: GeneDx Variant Classification (06012015). Collection method: clinical testing. Allele origin: germline. Affected: yes.
Comment: This variant is considered likely benign or benign based on one or more of the following criteria: it is a conservative change, it occurs at a poorly conserved position in the protein, it is predicted to be benign by multiple in silico algorithms, and/or has population frequency not consistent with disease.

NM_013382.7(POMT2):c.1017C>T (p.Tyr339=)

Gene: POMT2 (protein O-mannosyltransferase 2; minus strand). Cytogenetic location: 14q24.3.
Variant type: single nucleotide variant.
Coding change: c.1017C>T on transcript NM_013382.7 (MANE Select); coding-DNA position 1017, C replaced by T.
Protein change: p.Tyr339=; no amino-acid change (tyrosine 339 retained).
Molecular consequence: synonymous variant.
Genome position (GRCh38, 1-based): chr14:77,296,263, G>A on the plus strand (C>T on the coding strand, the complement: POMT2 is on the minus strand). VCF-style: chr14-77296263-G-A. GRCh37 (hg19) VCF-style: chr14-77762606-G-A.
Identifiers: ClinVar variation 382232 (VCV000382232.13), dbSNP rs1026361359, ClinGen allele CA16606590.